The following is an entry in ClinVar:

NM_022436.3(ABCG5):c.1549A>C (p.Thr517Pro)

Genes: ABCG5 (ATP binding cassette subfamily G member 5; minus strand), DYNC2LI1 (dynein cytoplasmic 2 light intermediate chain 1; plus strand). Cytogenetic location: 2p21.
Variant type: single nucleotide variant.
Coding change: c.1549A>C on transcript NM_022436.3 (MANE Select); coding-DNA position 1549, A replaced by C.
Protein change: p.Thr517Pro; replaces threonine 517 with proline.
Molecular consequence: missense variant. On other transcripts: intron variant (2).
Genome position (GRCh38, 1-based): chr2:43,820,015, T>G on the plus strand (A>C on the coding strand, the complement: ABCG5 is on the minus strand). VCF-style: chr2-43820015-T-G. GRCh37 (hg19) VCF-style: chr2-44047154-T-G.
Other names: c.*16-7371T>G (NM_001348913.2, NM_001348912.2); short protein forms T517P.
Identifiers: ClinVar variation 1774986 (VCV001774986.2), dbSNP rs2465952300, ClinGen allele CA346662977.

ClinVar aggregate classification (germline): Uncertain significance (1 of 4 stars; one submission).

Conditions:
Cardiovascular phenotype. Identifiers: MedGen CN230736.

Submission:

Ambry Genetics
Classification: Uncertain significance for Cardiovascular phenotype. Last evaluated: 2021-10-12. Review status: criteria provided, single submitter. Criteria: Ambry Variant Classification Scheme 2023. Collection method: clinical testing. Allele origin: germline.
Comment: The p.T517P variant (also known as c.1549A>C), located in coding exon 11 of the ABCG5 gene, results from an A to C substitution at nucleotide position 1549. The threonine at codon 517 is replaced by proline, an amino acid with highly similar properties. This amino acid position is conserved. In addition, the in silico prediction for this alteration is inconclusive. Since supporting evidence is limited at this time, the clinical significance of this alteration remains unclear.